The following is an entry in ClinVar:

NM_020800.3(IFT80):c.2094G>C (p.Trp698Cys)

Genes: TRIM59-IFT80 (TRIM59-IFT80 readthrough (NMD candidate); minus strand), IFT80 (intraflagellar transport 80; minus strand). Cytogenetic location: 3q25.33.
Variant type: single nucleotide variant.
Coding change: c.2094G>C on transcript NM_020800.3 (MANE Select); coding-DNA position 2094, G replaced by C.
Protein change: p.Trp698Cys; replaces tryptophan 698 with cysteine.
Molecular consequence: missense variant. On other transcripts: non-coding transcript variant (3).
Genome position (GRCh38, 1-based): chr3:160,277,311, C>G on the plus strand (G>C on the coding strand, the complement: IFT80 is on the minus strand). VCF-style: chr3-160277311-C-G. GRCh37 (hg19) VCF-style: chr3-159995099-C-G.
Other names: c.1683G>C, p.Trp561Cys (NM_001190241.2, NM_001190242.2); short protein forms W561C, W698C.
Identifiers: ClinVar variation 1469726 (VCV001469726.6), dbSNP rs1273119646, ClinGen allele CA355190122.

ClinVar aggregate classification (germline): Uncertain significance (1 of 4 stars; one submission).

Conditions:
Jeune thoracic dystrophy. Also called: Jeune syndrome; Infantile thoracic dystrophy; Thoracic pelvic phalangeal dystrophy; Jeune's syndrome; Chondroectodermal dysplasia-like syndrome; Short-rib thoracic dysplasia. Identifiers: Orphanet 474, MedGen C0265275, MONDO:0018770.

Allele frequency attached by ClinVar (database versions not stated): gnomAD exomes below 0.00001; TOPMed below 0.00001.
gnomAD v4.1: 5 of 1,611,980 alleles (0.00031%); highest among the groups gnomAD compares: African/African-American, 0.004%; no homozygotes.

Submission:

Labcorp Genetics (formerly Invitae), Labcorp
Classification: Uncertain significance for Jeune thoracic dystrophy. Last evaluated: 2023-08-04. Review status: criteria provided, single submitter. Criteria: Invitae Variant Classification Sherloc (09022015). Collection method: clinical testing. Allele origin: germline.
Comment: This sequence change replaces tryptophan, which is neutral and slightly polar, with cysteine, which is neutral and slightly polar, at codon 698 of the IFT80 protein (p.Trp698Cys). This variant is present in population databases (no rsID available, gnomAD 0.007%). This variant has not been reported in the literature in individuals affected with IFT80-related conditions. ClinVar contains an entry for this variant (Variation ID: 1469726). Advanced modeling of protein sequence and biophysical properties (such as structural, functional, and spatial information, amino acid conservation, physicochemical variation, residue mobility, and thermodynamic stability) performed at Invitae indicates that this missense variant is expected to disrupt IFT80 protein function. In summary, the available evidence is currently insufficient to determine the role of this variant in disease. Therefore, it has been classified as a Variant of Uncertain Significance.